The following is an entry in ClinVar:

ClinVar aggregate classification (germline): Uncertain significance (1 of 4 stars; one submission).

Conditions:
Inborn genetic diseases. Identifiers: MedGen C0950123, MeSH D030342.

Submission:

Ambry Genetics
Classification: Uncertain significance for Inborn genetic diseases. Last evaluated: 2025-11-07. Review status: criteria provided, single submitter. Criteria: Ambry Variant Classification Scheme 2023. Collection method: clinical testing. Allele origin: germline.
Comment: The p.F389L variant (also known as c.1167C>G), located in coding exon 5 of the SH2B3 gene, results from a C to G substitution at nucleotide position 1167. The phenylalanine at codon 389 is replaced by leucine, an amino acid with highly similar properties. This amino acid position is conserved. In addition, this alteration is predicted to be deleterious by in silico analysis. Based on the available evidence, the clinical significance of this variant remains unclear.

NM_005475.3(SH2B3):c.1167C>G (p.Phe389Leu)

Gene: SH2B3 (SH2B adaptor protein 3; plus strand). Cytogenetic location: 12q24.12.
Variant type: single nucleotide variant.
Coding change: c.1167C>G on transcript NM_005475.3 (MANE Select); coding-DNA position 1167, C replaced by G.
Protein change: p.Phe389Leu; replaces phenylalanine 389 with leucine.
Molecular consequence: missense variant.
Genome position (GRCh38, 1-based): chr12:111,447,475, C>G. VCF-style: chr12-111447475-C-G. GRCh37 (hg19) VCF-style: chr12-111885279-C-G.
Other names: c.561C>G, p.Phe187Leu (NM_001291424.1); short protein forms F187L, F389L.
Identifiers: ClinVar variation 4630747 (VCV004630747.1).